The following is an entry in ClinVar:

NM_000263.4(NAGLU):c.959C>T (p.Pro320Leu)

Gene: NAGLU (N-acetyl-alpha-glucosaminidase; plus strand). Cytogenetic location: 17q21.2.
Variant type: single nucleotide variant.
Coding change: c.959C>T on transcript NM_000263.4 (MANE Select); coding-DNA position 959, C replaced by T.
Protein change: p.Pro320Leu; replaces proline 320 with leucine.
Molecular consequence: missense variant.
Genome position (GRCh38, 1-based): chr17:42,541,144, C>T. VCF-style: chr17-42541144-C-T. GRCh37 (hg19) VCF-style: chr17-40693162-C-T.
Other names: c.959C>T (NM_000263.3); short protein forms P320L.
Identifiers: ClinVar variation 1986926 (VCV001986926.2), dbSNP rs2092920790, ClinGen allele CA399600302.

ClinVar aggregate classification (germline): Uncertain significance. Review status: criteria provided, multiple submitters, no conflicts (2 of 4 stars). 2 submissions from 2 submitters: Uncertain significance (2). Last evaluated 2025-04-15.

Conditions:
Inborn genetic diseases. Identifiers: MedGen C0950123, MeSH D030342.
Mucopolysaccharidosis, MPS-III-B (MPS3B). Also called: N-ACETYL-ALPHA-D-GLUCOSAMINIDASE DEFICIENCY; NAGLU DEFICIENCY; SANFILIPPO SYNDROME B; MPS III B; Mucopolysaccharidosis type IIIB (Sanfilippo B); MPS IIIB (Sanfilippo Syndrome Type B). Identifiers: Orphanet 79270, MedGen C0086648, MONDO:0009656, OMIM 252920.
Charcot-Marie-Tooth disease axonal type 2V. Also called: CHARCOT-MARIE-TOOTH NEUROPATHY, TYPE 2V; CHARCOT-MARIE-TOOTH DISEASE, AXONAL, AUTOSOMAL DOMINANT, TYPE 2V. Identifiers: Orphanet 447964, MedGen C5569050, MONDO:0014665, OMIM 616491.

Allele frequency attached by ClinVar (database versions not stated): TOPMed 0.00002; gnomAD 0.00001.
gnomAD v4.1: 1 of 1,613,844 alleles (0.000062%); highest among the groups gnomAD compares: African/African-American, 0.0013%; no homozygotes.

Submissions (2):

Ambry Genetics
Classification: Uncertain significance for Inborn genetic diseases. Last evaluated: 2025-04-15. Review status: criteria provided, single submitter. Criteria: Ambry Variant Classification Scheme 2023. Collection method: clinical testing. Allele origin: germline.

Labcorp Genetics (formerly Invitae), Labcorp
Classification: Uncertain significance for Charcot-Marie-Tooth disease axonal type 2V; Mucopolysaccharidosis, MPS-III-B. Last evaluated: 2022-06-23. Review status: criteria provided, single submitter. Criteria: Invitae Variant Classification Sherloc (09022015). Collection method: clinical testing. Allele origin: germline.
Comment: This sequence change replaces proline, which is neutral and non-polar, with leucine, which is neutral and non-polar, at codon 320 of the NAGLU protein (p.Pro320Leu). This variant is not present in population databases (gnomAD no frequency). This variant has not been reported in the literature in individuals affected with NAGLU-related conditions. Algorithms developed to predict the effect of missense changes on protein structure and function are either unavailable or do not agree on the potential impact of this missense change (SIFT: "Deleterious"; PolyPhen-2: "Benign"; Align-GVGD: "Class C15"). In summary, the available evidence is currently insufficient to determine the role of this variant in disease. Therefore, it has been classified as a Variant of Uncertain Significance.